The following is an entry in ClinVar:

NM_001130438.3(SPTAN1):c.1678G>A (p.Glu560Lys)

Gene: SPTAN1 (spectrin alpha, non-erythrocytic 1; plus strand). Cytogenetic location: 9q34.11.
Variant type: single nucleotide variant.
Coding change: c.1678G>A on transcript NM_001130438.3 (MANE Select); coding-DNA position 1678, G replaced by A.
Protein change: p.Glu560Lys; replaces glutamic acid 560 with lysine.
Molecular consequence: missense variant.
Genome position (GRCh38, 1-based): chr9:128,582,721, G>A. VCF-style: chr9-128582721-G-A. GRCh37 (hg19) VCF-style: chr9-131345000-G-A.
Other names: c.1678G>A, p.Glu560Lys (NM_001195532.2, NM_001363759.2, NM_001363765.2 and 5 more transcripts); c.1714G>A, p.Glu572Lys (NM_001375312.2, NM_001375318.1); short protein forms E560K, E572K.
Identifiers: ClinVar variation 2034556 (VCV002034556.4), dbSNP rs1332002951, ClinGen allele CA375054946.
Genomic context (GRCh38, chr9:128,582,721, plus strand): 5'-ACTAGAGACTCACAGGGGATCCTTGTCTTTCAGCTGTTGAGCCGCCGCAATGCCCTTCAC[G>A]AGAGAGCCATGCGTCGCCGGGCCCAGCTAGCCGATTCTTTCCATCTGCAGCAGTTTTTCC-3'
Protein context (NP_001123910.1, residues 550-570): ALLSRRNALH[Glu560Lys]RAMRRRAQLA

ClinVar aggregate classification (germline): Uncertain significance (1 of 4 stars; one submission).

Conditions:
Early-infantile DEE. Also called: Ohtahara syndrome; Early infantile epileptic encephalopathy with suppression bursts; Early infantile epileptic encephalopathy. Identifiers: Orphanet 1934, MedGen C0393706, MONDO:0800491.

Allele frequency attached by ClinVar (database versions not stated): gnomAD exomes below 0.00001.
gnomAD v4.1: 6 of 1,613,806 alleles (0.00037%); highest among the groups gnomAD compares: South Asian, 0.0011%; no homozygotes.

Submission:

Labcorp Genetics (formerly Invitae), Labcorp
Classification: Uncertain significance for Early-infantile DEE. Last evaluated: 2022-05-30. Review status: criteria provided, single submitter. Criteria: Invitae Variant Classification Sherloc (09022015). Collection method: clinical testing. Allele origin: germline.
Comment: This sequence change replaces glutamic acid, which is acidic and polar, with lysine, which is basic and polar, at codon 560 of the SPTAN1 protein (p.Glu560Lys). This variant is present in population databases (no rsID available, gnomAD 0.003%). This variant has not been reported in the literature in individuals affected with SPTAN1-related conditions. Algorithms developed to predict the effect of missense changes on protein structure and function are either unavailable or do not agree on the potential impact of this missense change (SIFT: "Deleterious"; PolyPhen-2: "Benign"; Align-GVGD: "Class C15"). In summary, the available evidence is currently insufficient to determine the role of this variant in disease. Therefore, it has been classified as a Variant of Uncertain Significance.